The following is an entry in ClinVar:

NM_016038.4(SBDS):c.32G>T (p.Arg11Leu)

Gene: SBDS (SBDS ribosome maturation factor; minus strand). Cytogenetic location: 7q11.21.
Variant type: single nucleotide variant.
Coding change: c.32G>T on transcript NM_016038.4 (MANE Select); coding-DNA position 32, G replaced by T.
Protein change: p.Arg11Leu; replaces arginine 11 with leucine.
Molecular consequence: missense variant.
Genome position (GRCh38, 1-based): chr7:66,995,386, C>A on the plus strand (G>T on the coding strand, the complement: SBDS is on the minus strand). VCF-style: chr7-66995386-C-A. GRCh37 (hg19) VCF-style: chr7-66460373-C-A.
Other names: short protein forms R11L.
Identifiers: ClinVar variation 3792730 (VCV003792730.1).
Genomic context (GRCh38, chr7:66,995,386, plus strand): 5'-CAGGCGATTTCGAAGCGCTTCCCGGCACGCTTCATCCGTACCACGGCCACATTGGTTAGG[C>A]GGATCTGGTTGGTGGGGGTGAAGATCGACATCGCGGCTGTTCAAAGACCCAGAAGCCGGC-3'
Protein context (NP_057122.2, residues 1-21): MSIFTPTNQI[Arg11Leu]LTNVAVVRMK

ClinVar aggregate classification (germline): Uncertain significance (1 of 4 stars; one submission).

Conditions:
Inborn genetic diseases. Identifiers: MedGen C0950123, MeSH D030342.

gnomAD v4.1: 8 of 1,613,980 alleles (0.0005%); highest among the groups gnomAD compares: African/African-American, 0.0013%; no homozygotes.

Submission:

Ambry Genetics
Classification: Uncertain significance for Inborn genetic diseases. Last evaluated: 2025-02-03. Review status: criteria provided, single submitter. Criteria: Ambry Variant Classification Scheme 2023. Collection method: clinical testing. Allele origin: germline.
Comment: The p.R11L variant (also known as c.32G>T), located in coding exon 1 of the SBDS gene, results from a G to T substitution at nucleotide position 32. The arginine at codon 11 is replaced by leucine, an amino acid with dissimilar properties. This amino acid position is conserved. In addition, this alteration is predicted to be deleterious by in silico analysis. Based on the available evidence, the clinical significance of this variant remains unclear.